The following is an entry in ClinVar:

NM_000260.4(MYO7A):c.849+1G>C

Gene: MYO7A (myosin VIIA; plus strand). Cytogenetic location: 11q13.5.
Variant type: single nucleotide variant.
Coding change: c.849+1G>C on transcript NM_000260.4 (MANE Select); the canonical splice donor site of the intron after coding-DNA position 849, G replaced by C.
Molecular consequence: splice donor variant.
Genome position (GRCh38, 1-based): chr11:77,157,393, G>C. VCF-style: chr11-77157393-G-C. GRCh37 (hg19) VCF-style: chr11-76868439-G-C.
Other names: c.816+1G>C (NM_001369365.1); c.849+1G>C (NM_001127180.2).
Identifiers: ClinVar variation 1453408 (VCV001453408.8), dbSNP rs781916556, ClinGen allele CA381932712.

ClinVar aggregate classification (germline): Pathogenic (1 of 4 stars; one submission).

Submission:

Labcorp Genetics (formerly Invitae), Labcorp
Classification: Pathogenic. Last evaluated: 2022-06-10. Review status: criteria provided, single submitter. Criteria: Invitae Variant Classification Sherloc (09022015). Collection method: clinical testing. Allele origin: germline.
Comment: This sequence change affects a donor splice site in intron 8 of the MYO7A gene. It is expected to disrupt RNA splicing. Variants that disrupt the donor or acceptor splice site typically lead to a loss of protein function (PMID: 16199547), and loss-of-function variants in MYO7A are known to be pathogenic (PMID: 8900236, 25404053). This variant is not present in population databases (gnomAD no frequency). Disruption of this splice site has been observed in individual(s) with clinical features of Usher syndrome (PMID: 29287864). In at least one individual the data is consistent with being in trans (on the opposite chromosome) from a pathogenic variant. It has also been observed to segregate with disease in related individuals. Algorithms developed to predict the effect of sequence changes on RNA splicing suggest that this variant may disrupt the consensus splice site. For these reasons, this variant has been classified as Pathogenic.

Literature cited by the submitters: PubMed 16199547; PubMed 8900236; PubMed 25404053; PubMed 29287864.